The following is an entry in ClinVar:

ClinVar aggregate classification (germline): Uncertain significance (1 of 4 stars; one submission).

Conditions:
Long QT syndrome (LQTS). Identifiers: MedGen C0023976, MeSH D008133, MONDO:0002442. Disease mechanism: loss of function. Inheritance: Various modes of inheritance.

Submission:

Labcorp Genetics (formerly Invitae), Labcorp
Classification: Uncertain significance for Long QT syndrome. Last evaluated: 2021-02-21. Review status: criteria provided, single submitter. Criteria: Invitae Variant Classification Sherloc (09022015). Collection method: clinical testing. Allele origin: germline.
Comment: In summary, the available evidence is currently insufficient to determine the role of this variant in disease. Therefore, it has been classified as a Variant of Uncertain Significance. Algorithms developed to predict the effect of sequence changes on RNA splicing suggest that this variant may create or strengthen a splice site, but this prediction has not been confirmed by published transcriptional studies. Algorithms developed to predict the effect of missense changes on protein structure and function are either unavailable or do not agree on the potential impact of this missense change (SIFT: "Deleterious"; PolyPhen-2: "Possibly Damaging"; Align-GVGD: "Class C0"). This variant has not been reported in the literature in individuals with CACNA1C-related conditions. This variant is not present in population databases (ExAC no frequency). This sequence change replaces aspartic acid with glycine at codon 690 of the CACNA1C protein (p.Asp690Gly). The aspartic acid residue is highly conserved and there is a moderate physicochemical difference between aspartic acid and glycine.

NM_000719.7(CACNA1C):c.2069A>G (p.Asp690Gly)

Gene: CACNA1C (calcium voltage-gated channel subunit alpha1 C; plus strand). Cytogenetic location: 12p13.33.
Variant type: single nucleotide variant.
Coding change: c.2069A>G on transcript NM_000719.7 (MANE Select); coding-DNA position 2069, A replaced by G.
Protein change: p.Asp690Gly; replaces aspartic acid 690 with glycine.
Molecular consequence: missense variant.
Genome position (GRCh38, 1-based): chr12:2,581,763, A>G. VCF-style: chr12-2581763-A-G. GRCh37 (hg19) VCF-style: chr12-2690929-A-G.
Other names: c.2069A>G, p.Asp690Gly (NM_001129827.2, NM_001129829.2, NM_001129830.3 and 18 more transcripts); c.2060A>G, p.Asp687Gly (NM_001129844.2); short protein forms D690G, D687G.
Identifiers: ClinVar variation 1374903 (VCV001374903.8), dbSNP rs2153223882, ClinGen allele CA383370468.
Genomic context (GRCh38, chr12:2,581,763, plus strand): 5'-TGCAGCTCTTTGGAGGAAAGTTCAACTTTGATGAGATGCAGACCCGGAGGAGCACATTCG[A>G]TAACTTCCCCCAGTCCCTCCTCACTGTGTTTCAGGTATGGACTCTTCTCTGCTGGGATTC-3'
Protein context (NP_000710.5, residues 680-700): DEMQTRRSTF[Asp690Gly]NFPQSLLTVF